The following is an entry in ClinVar:

ClinVar aggregate classification (germline): Uncertain significance. Review status: criteria provided, multiple submitters, no conflicts (2 of 4 stars). 2 submissions from 2 submitters: Uncertain significance (2). Last evaluated 2025-04-10.

Conditions:
Primary ciliary dyskinesia. Also called: Ciliary dyskinesia. Identifiers: Orphanet 244, MedGen C0008780, MONDO:0016575, HP:0012265.

gnomAD v4.1: 43 of 1,609,510 alleles (0.0027%); highest among the groups gnomAD compares: Middle Eastern, 0.037%; no homozygotes.

Submissions (2):

Ambry Genetics
Classification: Uncertain significance for Primary ciliary dyskinesia. Last evaluated: 2025-04-10. Review status: criteria provided, single submitter. Criteria: Ambry Variant Classification Scheme 2023. Collection method: clinical testing. Allele origin: germline.

Labcorp Genetics (formerly Invitae), Labcorp
Classification: Uncertain significance for Primary ciliary dyskinesia. Last evaluated: 2021-08-27. Review status: criteria provided, single submitter. Criteria: Invitae Variant Classification Sherloc (09022015). Collection method: clinical testing. Allele origin: germline.
Comment: This sequence change replaces proline with leucine at codon 660 of the CCDC114 protein (p.Pro660Leu). The proline residue is moderately conserved and there is a moderate physicochemical difference between proline and leucine. This variant is present in population databases (rs768598609, ExAC 0.01%). This variant has not been reported in the literature in individuals affected with CCDC114-related conditions. Algorithms developed to predict the effect of missense changes on protein structure and function output the following: SIFT: "Deleterious"; PolyPhen-2: "Probably Damaging"; Align-GVGD: "Class C0". The leucine amino acid residue is found in multiple mammalian species, which suggests that this missense change does not adversely affect protein function. In summary, the available evidence is currently insufficient to determine the role of this variant in disease. Therefore, it has been classified as a Variant of Uncertain Significance.

NM_001364171.2(ODAD1):c.2090C>T (p.Pro697Leu)

Gene: ODAD1 (outer dynein arm docking complex subunit 1; minus strand). Cytogenetic location: 19q13.33.
Variant type: single nucleotide variant.
Coding change: c.2090C>T on transcript NM_001364171.2 (MANE Select); coding-DNA position 2090, C replaced by T.
Protein change: p.Pro697Leu; replaces proline 697 with leucine.
Molecular consequence: missense variant.
Genome position (GRCh38, 1-based): chr19:48,297,010, G>A on the plus strand (C>T on the coding strand, the complement: ODAD1 is on the minus strand). VCF-style: chr19-48297010-G-A. GRCh37 (hg19) VCF-style: chr19-48800267-G-A.
Other names: c.1979C>T, p.Pro660Leu (NM_144577.4); short protein forms P660L, P697L.
Identifiers: ClinVar variation 1799700 (VCV001799700.5), dbSNP rs768598609, ClinGen allele CA9548478.
Genomic context (GRCh38, chr19:48,297,010, plus strand): 5'-AGGGTGGGGGCTGCGTGCCCCTCGTGTTAGCCCCGGGAGTCTTTGCTGGTGGAGGAGCCC[G>A]GGCCAGTGCTGGAGGCAGGGCCGGTGCTGGAGACGTGGTCTCTGCTGGACCCGAGGCCTC-3'
Protein context (NP_001351100.1, residues 687-707): SSTGPASSTG[Pro697Leu]GSSTSKDSRG